The following is an entry in ClinVar:

ClinVar aggregate classification (germline): Uncertain significance (3 of 4 stars; one submission).

Conditions:
Phenylketonuria (PKU). Also called: FOLLING DISEASE; Phenylketonuria (PKU); OLIGOPHRENIA PHENYLPYRUVICA; Phenylketonurias. Identifiers: Orphanet 716, MedGen C0031485, MONDO:0009861, OMIM 261600. Disease mechanism: loss of function.

Submission:

ClinGen PAH Variant Curation Expert Panel
Classification: Uncertain significance for Phenylketonuria. Last evaluated: 2019-11-17. Review status: reviewed by expert panel. Criteria: ClinGen PAH ACMG Specifications v1. Collection method: curation. Allele origin: germline. Inheritance: Autosomal recessive inheritance.
Comment: A deleterious effect is predicted in SIFT, Polyphen-2, MutationTaster, and REVEL=0.896. In summary, this variant meets criteria to be classified as uncertain significance for PAH. PAH-specific ACMG/AMP criteria applied: PP4_Moderate, PM2, PP3.

Literature cited by the submitters: PubMed 26503515.

NM_000277.3(PAH):c.380A>G (p.Glu127Gly)

Gene: PAH (phenylalanine hydroxylase; minus strand). Cytogenetic location: 12q23.2.
Variant type: single nucleotide variant.
Coding change: c.380A>G on transcript NM_000277.3 (MANE Select); coding-DNA position 380, A replaced by G.
Protein change: p.Glu127Gly; replaces glutamic acid 127 with glycine.
Molecular consequence: missense variant.
Genome position (GRCh38, 1-based): chr12:102,877,523, T>C on the plus strand (A>G on the coding strand, the complement: PAH is on the minus strand). VCF-style: chr12-102877523-T-C. GRCh37 (hg19) VCF-style: chr12-103271301-T-C.
Other names: c.380A>G, p.Glu127Gly (NM_001354304.2); short protein forms E127G.
Identifiers: ClinVar variation 872833 (VCV000872833.1), dbSNP rs1876625601, ClinGen allele CA16020782.